The following is an entry in ClinVar:

ClinVar aggregate classification (germline): Likely benign (0 of 4 stars; one submission).

Conditions:
FAT1-related disorder. Also called: FAT1-related condition.

Allele frequency attached by ClinVar (database versions not stated): gnomAD exomes below 0.00001.
gnomAD v4.1: 6 of 1,613,990 alleles (0.00037%); highest among the groups gnomAD compares: Middle Eastern, 0.099%; no homozygotes.

Submission:

PreventionGenetics, part of Exact Sciences
Classification: Likely benign for FAT1-related condition. Last evaluated: 2019-04-01. Review status: no assertion criteria provided. Collection method: clinical testing. Allele origin: germline.
Comment: This variant is classified as likely benign based on ACMG/AMP sequence variant interpretation guidelines (Richards et al. 2015 PMID: 25741868, with internal and published modifications).

NM_005245.4(FAT1):c.6915T>C (p.Val2305=)

Gene: FAT1 (FAT atypical cadherin 1; minus strand). Cytogenetic location: 4q35.2.
Variant type: single nucleotide variant.
Coding change: c.6915T>C on transcript NM_005245.4 (MANE Select); coding-DNA position 6915, T replaced by C.
Protein change: p.Val2305=; no amino-acid change (valine 2305 retained).
Molecular consequence: synonymous variant.
Genome position (GRCh38, 1-based): chr4:186,619,671, A>G on the plus strand (T>C on the coding strand, the complement: FAT1 is on the minus strand). VCF-style: chr4-186619671-A-G. GRCh37 (hg19) VCF-style: chr4-187540825-A-G.
Identifiers: ClinVar variation 3057506 (VCV003057506.2), dbSNP rs1210034401, ClinGen allele CA442893342.